The following is an entry in ClinVar:

NM_020765.3(UBR4):c.11655A>G (p.Thr3885=)

Gene: UBR4 (ubiquitin protein ligase E3 component n-recognin 4; minus strand). Cytogenetic location: 1p36.13.
Variant type: single nucleotide variant.
Coding change: c.11655A>G on transcript NM_020765.3 (MANE Select); coding-DNA position 11655, A replaced by G.
Protein change: p.Thr3885=; no amino-acid change (threonine 3885 retained).
Molecular consequence: synonymous variant.
Genome position (GRCh38, 1-based): chr1:19,112,670, T>C on the plus strand (A>G on the coding strand, the complement: UBR4 is on the minus strand). VCF-style: chr1-19112670-T-C. GRCh37 (hg19) VCF-style: chr1-19439164-T-C.
Identifiers: ClinVar variation 726078 (VCV000726078.5), dbSNP rs147718500, ClinGen allele CA648928.

ClinVar aggregate classification (germline): Likely benign. Review status: criteria provided, single submitter (1 of 4 stars). 2 submissions from 2 submitters: Likely benign (1). 1 of the submissions does not count toward it. Last evaluated 2018-12-14.

Conditions:
UBR4-related disorder. Also called: UBR4-related condition.

Allele frequency attached by ClinVar (database versions not stated): 1000 Genomes Project 30x 0.00016; 1000 Genomes Project 0.00020; ESP Exome Variant Server 0.00031; ExAC 0.00043; gnomAD exomes 0.00053; gnomAD 0.00060 and 0.00066; TOPMed 0.00065.
gnomAD v4.1: 1,301 of 1,614,218 alleles (0.081%); highest among the groups gnomAD compares: Non-Finnish European, 0.095%; 3 homozygotes.

Submissions (2):

Labcorp Genetics (formerly Invitae), Labcorp
Classification: Likely benign. Last evaluated: 2018-12-14. Review status: criteria provided, single submitter. Criteria: Invitae Variant Classification Sherloc (09022015). Collection method: clinical testing. Allele origin: germline.

PreventionGenetics, part of Exact Sciences
Classification: Likely benign for UBR4-related condition. Last evaluated: 2019-10-07. Review status: no assertion criteria provided. Collection method: clinical testing. Allele origin: germline. Not counted in ClinVar's aggregate classification.
Comment: This variant is classified as likely benign based on ACMG/AMP sequence variant interpretation guidelines (Richards et al. 2015 PMID: 25741868, with internal and published modifications).